The following is an entry in ClinVar:

NM_001099922.3(ALG13):c.1987C>T (p.Arg663Trp)

Gene: ALG13 (ALG13 UDP-N-acetylglucosaminyltransferase subunit; plus strand). Cytogenetic location: Xq23.
Variant type: single nucleotide variant.
Coding change: c.1987C>T on transcript NM_001099922.3 (MANE Select); coding-DNA position 1987, C replaced by T.
Protein change: p.Arg663Trp; replaces arginine 663 with tryptophan.
Molecular consequence: missense variant. On other transcripts: non-coding transcript variant (1).
Genome position (GRCh38, 1-based): chrX:111,727,342, C>T. VCF-style: chrX-111727342-C-T. GRCh37 (hg19) VCF-style: chrX-110970570-C-T.
Other names: c.1675C>T, p.Arg559Trp (NM_001257230.2, NM_001257234.2, NM_001257237.2); c.1753C>T, p.Arg585Trp (NM_001257231.2); c.1987C>T, p.Arg663Trp (NM_001324292.2); c.1501C>T, p.Arg501Trp (NM_001324293.1); short protein forms R501W, R559W, R585W, R663W.
Identifiers: ClinVar variation 3606696 (VCV003606696.2).

ClinVar aggregate classification (germline): Uncertain significance (1 of 4 stars; one submission).

Conditions:
Developmental and epileptic encephalopathy, 36 (DEE36). Also called: Congenital disorder of glycosylation, type Is; ALG13-CDG; Epileptic encephalopathy, early infantile, 36. Identifiers: Orphanet 324422, MedGen C4317295, MONDO:0010472, OMIM 300884.

gnomAD v4.1: 10 of 1,204,990 alleles (0.00083%); highest among the groups gnomAD compares: South Asian, 0.012%; no homozygotes.

Submission:

Labcorp Genetics (formerly Invitae), Labcorp
Classification: Uncertain significance for Developmental and epileptic encephalopathy, 36. Last evaluated: 2024-02-27. Review status: criteria provided, single submitter. Criteria: Invitae Variant Classification Sherloc (09022015). Collection method: clinical testing. Allele origin: germline.
Comment: This sequence change replaces arginine, which is basic and polar, with tryptophan, which is neutral and slightly polar, at codon 663 of the ALG13 protein (p.Arg663Trp). The frequency data for this variant in the population databases is considered unreliable, as metrics indicate poor data quality at this position in the gnomAD database. This variant has not been reported in the literature in individuals affected with ALG13-related conditions. Advanced modeling of protein sequence and biophysical properties (such as structural, functional, and spatial information, amino acid conservation, physicochemical variation, residue mobility, and thermodynamic stability) performed at Invitae indicates that this missense variant is not expected to disrupt ALG13 protein function with a negative predictive value of 80%. Algorithms developed to predict the effect of sequence changes on RNA splicing suggest that this variant may create or strengthen a splice site. In summary, the available evidence is currently insufficient to determine the role of this variant in disease. Therefore, it has been classified as a Variant of Uncertain Significance.